The following is an entry in ClinVar:

NM_001289808.2(CRYAB):c.320G>A (p.Arg107His)

Gene: CRYAB (crystallin alpha B; minus strand). Cytogenetic location: 11q23.1.
Variant type: single nucleotide variant.
Coding change: c.320G>A on transcript NM_001289808.2 (MANE Select); coding-DNA position 320, G replaced by A.
Protein change: p.Arg107His; replaces arginine 107 with histidine.
Molecular consequence: missense variant.
Genome position (GRCh38, 1-based): chr11:111,910,331, C>T on the plus strand (G>A on the coding strand, the complement: CRYAB is on the minus strand). VCF-style: chr11-111910331-C-T. GRCh37 (hg19) VCF-style: chr11-111781055-C-T.
Other names: c.320G>A, p.Arg107His (NM_001289807.1, NM_001368245.1, NM_001885.3); c.119G>A, p.Arg40His (NM_001330379.1, NM_001368246.1); short protein forms R107H, R40H.
Identifiers: ClinVar variation 2727405 (VCV002727405.3), dbSNP rs144451841, ClinGen allele CA6275524.

ClinVar aggregate classification (germline): Uncertain significance (1 of 4 stars; one submission).

Conditions:
Dilated cardiomyopathy 1II (CMD1II). Identifiers: Orphanet 154, MedGen C3554649, MONDO:0014073, OMIM 615184.

Allele frequency attached by ClinVar (database versions not stated): gnomAD exomes below 0.00001; 1000 Genomes Project 30x 0.00016; 1000 Genomes Project 0.00020; gnomAD 0.00001; ExAC 0.00002.
gnomAD v4.1: 9 of 1,614,174 alleles (0.00056%); highest among the groups gnomAD compares: East Asian, 0.0089%; no homozygotes.

Submission:

Labcorp Genetics (formerly Invitae), Labcorp
Classification: Uncertain significance for Dilated cardiomyopathy 1II. Last evaluated: 2025-07-03. Review status: criteria provided, single submitter. Criteria: Invitae Variant Classification Sherloc (09022015). Collection method: clinical testing. Allele origin: germline.
Comment: This sequence change replaces arginine, which is basic and polar, with histidine, which is basic and polar, at codon 107 of the CRYAB protein (p.Arg107His). This variant is present in population databases (rs144451841, gnomAD 0.004%). This variant has not been reported in the literature in individuals affected with CRYAB-related conditions. ClinVar contains an entry for this variant (Variation ID: 2727405). An algorithm developed to predict the effect of missense changes on protein structure and function (PolyPhen-2) suggests that this variant is likely to be disruptive. In summary, the available evidence is currently insufficient to determine the role of this variant in disease. Therefore, it has been classified as a Variant of Uncertain Significance.